The following is an entry in ClinVar:

NM_001382.4(DPAGT1):c.412A>G (p.Met138Val)

Gene: DPAGT1 (dolichyl-phosphate N-acetylglucosaminephosphotransferase 1; minus strand). Cytogenetic location: 11q23.3.
Variant type: single nucleotide variant.
Coding change: c.412A>G on transcript NM_001382.4 (MANE Select); coding-DNA position 412, A replaced by G.
Protein change: p.Met138Val; replaces methionine 138 with valine.
Molecular consequence: missense variant.
Genome position (GRCh38, 1-based): chr11:119,100,714, T>C on the plus strand (A>G on the coding strand, the complement: DPAGT1 is on the minus strand). VCF-style: chr11-119100714-T-C. GRCh37 (hg19) VCF-style: chr11-118971424-T-C.
Other names: short protein forms M138V.
Identifiers: ClinVar variation 1420065 (VCV001420065.8), dbSNP rs532412952, ClinGen allele CA6314640.

ClinVar aggregate classification (germline): Uncertain significance (1 of 4 stars; one submission).

Conditions:
DPAGT1-congenital disorder of glycosylation. Also called: CDG Ij; CONGENITAL DISORDER OF GLYCOSYLATION, TYPE Ij; DPAGT1-CDG. Identifiers: Orphanet 86309, MedGen C2931004, MONDO:0011964, OMIM 608093.
Congenital myasthenic syndrome 13 (CMS13). Also called: Myasthenic syndrome, congenital, 13, with tubular aggregates; Myasthenic syndrome, congenital, with tubular aggregates 2. Identifiers: Orphanet 353327, Orphanet 590, MedGen C3553645, MONDO:0013883, OMIM 614750.

Allele frequency attached by ClinVar (database versions not stated): gnomAD 0.00001 and 0.00002; gnomAD exomes 0.00001 and 0.00003; TOPMed 0.00001; ExAC 0.00006; 1000 Genomes Project 30x 0.00062; 1000 Genomes Project 0.00080.

Submission:

Labcorp Genetics (formerly Invitae), Labcorp
Classification: Uncertain significance for Congenital myasthenic syndrome 13; DPAGT1-congenital disorder of glycosylation. Last evaluated: 2022-06-20. Review status: criteria provided, single submitter. Criteria: Invitae Variant Classification Sherloc (09022015). Collection method: clinical testing. Allele origin: germline.
Comment: In summary, the available evidence is currently insufficient to determine the role of this variant in disease. Therefore, it has been classified as a Variant of Uncertain Significance. This sequence change replaces methionine, which is neutral and non-polar, with valine, which is neutral and non-polar, at codon 138 of the DPAGT1 protein (p.Met138Val). This variant is present in population databases (rs532412952, gnomAD 0.03%). This variant has not been reported in the literature in individuals affected with DPAGT1-related conditions. Algorithms developed to predict the effect of missense changes on protein structure and function are either unavailable or do not agree on the potential impact of this missense change (SIFT: "Deleterious"; PolyPhen-2: "Possibly Damaging"; Align-GVGD: "Class C0").